The following is an entry in ClinVar:

NM_002474.3(MYH11):c.5392C>A (p.Arg1798=)

Genes: MYH11 (myosin heavy chain 11; minus strand), NDE1 (nudE neurodevelopment protein 1; plus strand). Cytogenetic location: 16p13.11.
Variant type: single nucleotide variant.
Coding change: c.5392C>A on transcript NM_002474.3 (MANE Select); coding-DNA position 5392, C replaced by A.
Protein change: p.Arg1798=; no amino-acid change (arginine 1798 retained).
Molecular consequence: synonymous variant. On other transcripts: intron variant (2).
Genome position (GRCh38, 1-based): chr16:15,717,252, G>T on the plus strand (C>A on the coding strand, the complement: MYH11 is on the minus strand). VCF-style: chr16-15717252-G-T. GRCh37 (hg19) VCF-style: chr16-15811109-G-T.
Other names: c.5413C>A, p.Arg1805= (NM_001040113.2, NM_001040114.2); c.5392C>A, p.Arg1798= (NM_022844.3); c.948-6939G>T (NM_001143979.2, NM_017668.3).
Identifiers: ClinVar variation 923164 (VCV000923164.8), dbSNP rs371581038, ClinGen allele CA494087682.

ClinVar aggregate classification (germline): Likely benign. Review status: criteria provided, multiple submitters, no conflicts (2 of 4 stars). 5 submissions from 5 submitters: Likely benign (5). Last evaluated 2026-01-17.

Conditions:
Familial thoracic aortic aneurysm and aortic dissection (TAAD). Also called: Thoracic aortic aneurysms and dissections. Identifiers: Orphanet 91387, MedGen C4707243, MONDO:0019625.
Aortic aneurysm, familial thoracic 4 (AAT4). Also called: AORTIC ANEURYSM/AORTIC DISSECTION AND PATENT DUCTUS ARTERIOSUS. Identifiers: MedGen C1851504, MONDO:0007568, OMIM 132900.

gnomAD v4.1: 3 of 1,614,122 alleles (0.00019%); highest among the groups gnomAD compares: Non-Finnish European, 0.00025%; no homozygotes.

Submissions (5):

Ambry Genetics
Classification: Likely benign for Familial thoracic aortic aneurysm and aortic dissection. Last evaluated: 2026-01-17. Review status: criteria provided, single submitter. Criteria: Ambry Variant Classification Scheme 2023. Collection method: clinical testing. Allele origin: germline.

Labcorp Genetics (formerly Invitae), Labcorp
Classification: Likely benign for Aortic aneurysm, familial thoracic 4. Last evaluated: 2025-12-29. Review status: criteria provided, single submitter. Criteria: Invitae Variant Classification Sherloc (09022015). Collection method: clinical testing. Allele origin: germline.

All of Us Research Program, National Institutes of Health
Classification: Likely benign for Familial thoracic aortic aneurysm and aortic dissection. Last evaluated: 2023-05-08. Review status: criteria provided, single submitter. Criteria: ACMG Guidelines, 2015. Collection method: clinical testing. Allele origin: germline. Inheritance: Autosomal dominant inheritance. Observed: 1 variant allele, 1 heterozygote.
Comment: This study involves interpretation of variants in research participants for the purpose of population health screening. Participant phenotype was not available at the time of variant classification. Additional details can be found in publication PMID: 35346344, PMCID: PMC8962531

GeneDx
Classification: Likely benign. Last evaluated: 2019-11-19. Review status: criteria provided, single submitter. Criteria: GeneDx Variant Classification Process June 2021. Collection method: clinical testing. Allele origin: germline. Affected: yes.

Color Diagnostics, LLC DBA Color Health
Classification: Likely benign for Familial thoracic aortic aneurysm and aortic dissection. Last evaluated: 2019-09-09. Review status: criteria provided, single submitter. Criteria: ACMG Guidelines, 2015. Collection method: clinical testing. Allele origin: germline.